The following is an entry in ClinVar:

NM_004183.4(BEST1):c.1271G>C (p.Gly424Ala)

Gene: BEST1 (bestrophin 1; plus strand). Cytogenetic location: 11q12.3.
Variant type: single nucleotide variant.
Coding change: c.1271G>C on transcript NM_004183.4 (MANE Select); coding-DNA position 1271, G replaced by C.
Protein change: p.Gly424Ala; replaces glycine 424 with alanine.
Molecular consequence: missense variant. On other transcripts: non-coding transcript variant (1).
Genome position (GRCh38, 1-based): chr11:61,962,425, G>C. VCF-style: chr11-61962425-G-C. GRCh37 (hg19) VCF-style: chr11-61729897-G-C.
Other names: c.1091G>C, p.Gly364Ala (NM_001139443.3, NM_001300787.2); c.1010G>C, p.Gly337Ala (NM_001300786.2); c.953G>C, p.Gly318Ala (NM_001363591.3); c.*166G>C (NM_001363592.2); c.299G>C, p.Gly100Ala (NM_001363593.3); short protein forms G424A, G318A, G364A, G100A, G337A.
Identifiers: ClinVar variation 423146 (VCV000423146.13), dbSNP rs201210799, ClinGen allele CA6041029.

ClinVar aggregate classification (germline): Conflicting classifications of pathogenicity. Review status: criteria provided, conflicting classifications (1 of 4 stars). 3 submissions from 3 submitters: Uncertain significance (1); Likely benign (2). Last evaluated 2025-12-08.

Allele frequency attached by ClinVar (database versions not stated): ExAC 0.00007; gnomAD 0.00007; TOPMed 0.00007; ESP Exome Variant Server 0.00008; gnomAD exomes 0.00009.
gnomAD v4.1: 74 of 1,614,056 alleles (0.0046%); highest among the groups gnomAD compares: Admixed American, 0.017%; no homozygotes.

Submissions (3):

Labcorp Genetics (formerly Invitae), Labcorp
Classification: Likely benign. Last evaluated: 2025-12-08. Review status: criteria provided, single submitter. Criteria: Invitae Variant Classification Sherloc (09022015). Collection method: clinical testing. Allele origin: germline.

Blueprint Genetics
Classification: Likely benign. Last evaluated: 2024-06-07. Review status: criteria provided, single submitter. Criteria: ACMG Guidelines, 2015. Collection method: clinical testing. Allele origin: germline.

GeneDx
Classification: Uncertain significance. Last evaluated: 2017-02-08. Review status: criteria provided, single submitter. Criteria: GeneDx Variant Classification (06012015). Collection method: clinical testing. Allele origin: germline. Affected: yes.
Comment: The G424A variant in the BEST1 gene has not been reported previously as a pathogenic variant, nor as a benign variant, to our knowledge. This variant is not observed at a significant frequency in large population cohorts (Lek et al., 2016; 1000 Genomes Consortium et al., 2015; Exome Variant Server). The G424A variant is a conservative amino acid substitution, which is not likely to impact secondary protein structure as these residues share similar properties. This substitution occurs at a position that is not conserved. In silico analysis predicts this variant likely does not alter the protein structure/function. We interpret G424A as a variant of uncertain significance.